The following is an entry in ClinVar:

NM_014633.5(CTR9):c.3358G>A (p.Asp1120Asn)

Gene: CTR9 (CTR9 component of Paf1/RNA polymerase II complex; plus strand). Cytogenetic location: 11p15.4.
Variant type: single nucleotide variant.
Coding change: c.3358G>A on transcript NM_014633.5 (MANE Select); coding-DNA position 3358, G replaced by A.
Protein change: p.Asp1120Asn; replaces aspartic acid 1120 with asparagine.
Molecular consequence: missense variant.
Genome position (GRCh38, 1-based): chr11:10,778,941, G>A. VCF-style: chr11-10778941-G-A. GRCh37 (hg19) VCF-style: chr11-10800488-G-A.
Other names: c.3286G>A, p.Asp1096Asn (NM_001346279.2); c.3358G>A (NM_014633.3); short protein forms D1096N, D1120N.
Identifiers: ClinVar variation 943037 (VCV000943037.11), dbSNP rs752994293, ClinGen allele CA5885570.

ClinVar aggregate classification (germline): Uncertain significance. Review status: criteria provided, multiple submitters, no conflicts (2 of 4 stars). 2 submissions from 2 submitters: Uncertain significance (2). Last evaluated 2023-08-16.

Conditions:
Inborn genetic diseases. Identifiers: MedGen C0950123, MeSH D030342.

Allele frequency attached by ClinVar (database versions not stated): ExAC 0.00002; gnomAD exomes 0.00002; gnomAD 0.00003; TOPMed 0.00006.
gnomAD v4.1: 45 of 1,614,000 alleles (0.0028%); highest among the groups gnomAD compares: Admixed American, 0.005%; no homozygotes.

Submissions (2):

Labcorp Genetics (formerly Invitae), Labcorp
Classification: Uncertain significance. Last evaluated: 2023-08-16. Review status: criteria provided, single submitter. Criteria: Invitae Variant Classification Sherloc (09022015). Collection method: clinical testing. Allele origin: germline.
Comment: An algorithm developed to predict the effect of missense changes on protein structure and function (PolyPhen-2) suggests that this variant is likely to be tolerated. This sequence change replaces aspartic acid, which is acidic and polar, with asparagine, which is neutral and polar, at codon 1120 of the CTR9 protein (p.Asp1120Asn). This variant is present in population databases (rs752994293, gnomAD 0.006%). This variant has not been reported in the literature in individuals affected with CTR9-related conditions. ClinVar contains an entry for this variant (Variation ID: 943037). In summary, the available evidence is currently insufficient to determine the role of this variant in disease. Therefore, it has been classified as a Variant of Uncertain Significance.

Ambry Genetics
Classification: Uncertain significance for Inborn genetic diseases. Last evaluated: 2023-02-15. Review status: criteria provided, single submitter. Criteria: Ambry Variant Classification Scheme 2023. Collection method: clinical testing. Allele origin: germline.